The following is an entry in ClinVar:

NM_001040142.2(SCN2A):c.132G>A (p.Glu44=)

Gene: SCN2A (sodium voltage-gated channel alpha subunit 2; plus strand). Cytogenetic location: 2q24.3.
Variant type: single nucleotide variant.
Coding change: c.132G>A on transcript NM_001040142.2 (MANE Select); coding-DNA position 132, G replaced by A.
Protein change: p.Glu44=; no amino-acid change (glutamic acid 44 retained).
Molecular consequence: synonymous variant.
Genome position (GRCh38, 1-based): chr2:165,295,955, G>A. VCF-style: chr2-165295955-G-A. GRCh37 (hg19) VCF-style: chr2-166152465-G-A.
Other names: c.132G>A (NM_021007.2); c.132G>A, p.Glu44= (NM_001040143.2, NM_001371246.1, NM_001371247.1 and 1 more transcripts).
Identifiers: ClinVar variation 1536589 (VCV001536589.11), dbSNP rs781272663, ClinGen allele CA1939552.
Genomic context (GRCh38, chr2:165,295,955, plus strand): 5'-TATTGAACAACGCATTGCAGAAGAGAAAGCTAAGAGACCCAAACAGGAACGCAAGGATGA[G>A]GATGATGAAAATGGCCCAAAGCCAAACAGTGACTTGGAAGCAGGAAAATCTCTTCCATTT-3'
Protein context (NP_001035232.1, residues 34-54): AKRPKQERKD[Glu44=]DDENGPKPNS

ClinVar aggregate classification (germline): Likely benign. Review status: criteria provided, multiple submitters, no conflicts (2 of 4 stars). 3 submissions from 3 submitters: Likely benign (2). 1 of the submissions does not count toward it. Last evaluated 2024-08-06.

Conditions:
SCN2A-related disorder. Also called: SCN2A-related condition; SCN2A-related disorders. Identifiers: MedGen CN382226, MONDO:1060245.
Developmental and epileptic encephalopathy, 11 (DEE11). Also called: Early infantile epileptic encephalopathy 11. Identifiers: Orphanet 1934, MedGen C3150987, MONDO:0013388, OMIM 613721.
Seizures, benign familial infantile, 3 (BFIS3). Also called: CONVULSIONS, BENIGN FAMILIAL INFANTILE, 3; Familial neonatal seizures. Identifiers: Orphanet 140927, Orphanet 306, MedGen C1843140, MONDO:0011904, OMIM 607745.

Allele frequency attached by ClinVar (database versions not stated): gnomAD exomes 0.00002 and 0.00003; ExAC 0.00003; gnomAD 0.00003.
gnomAD v4.1: 29 of 1,613,996 alleles (0.0018%); highest among the groups gnomAD compares: South Asian, 0.032%; no homozygotes.

Submissions (3):

Blueprint Genetics
Classification: Likely benign. Last evaluated: 2024-08-06. Review status: criteria provided, single submitter. Criteria: ACMG Guidelines, 2015. Collection method: clinical testing. Allele origin: germline.

Labcorp Genetics (formerly Invitae), Labcorp
Classification: Likely benign for Seizures, benign familial infantile, 3; Developmental and epileptic encephalopathy, 11. Last evaluated: 2024-07-09. Review status: criteria provided, single submitter. Criteria: Invitae Variant Classification Sherloc (09022015). Collection method: clinical testing. Allele origin: germline.

PreventionGenetics, part of Exact Sciences
Classification: Likely benign for SCN2A-related condition. Last evaluated: 2022-05-27. Review status: no assertion criteria provided. Collection method: clinical testing. Allele origin: germline. Not counted in ClinVar's aggregate classification.
Comment: This variant is classified as likely benign based on ACMG/AMP sequence variant interpretation guidelines (Richards et al. 2015 PMID: 25741868, with internal and published modifications).